The following is an entry in ClinVar:

NM_015215.4(CAMTA1):c.2981C>T (p.Thr994Met)

Gene: CAMTA1 (calmodulin binding transcription activator 1; plus strand). Cytogenetic location: 1p36.23.
Variant type: single nucleotide variant.
Coding change: c.2981C>T on transcript NM_015215.4 (MANE Select); coding-DNA position 2981, C replaced by T.
Protein change: p.Thr994Met; replaces threonine 994 with methionine.
Molecular consequence: missense variant.
Genome position (GRCh38, 1-based): chr1:7,732,514, C>T. VCF-style: chr1-7732514-C-T. GRCh37 (hg19) VCF-style: chr1-7792574-C-T.
Other names: c.2891C>T, p.Thr964Met (NM_001349608.2, NM_001349612.2); c.2981C>T, p.Thr994Met (NM_001349609.2, NM_001349610.2, NM_001410737.1); c.110C>T, p.Thr37Met (NM_001349613.1); c.53C>T, p.Thr18Met (NM_001349614.1, NM_001349615.2, NM_001349616.2 and 10 more transcripts); c.2909C>T, p.Thr970Met (NM_001410738.1); short protein forms T37M, T970M, T18M, T994M, T964M.
Identifiers: ClinVar variation 1920476 (VCV001920476.21), dbSNP rs533579152, ClinGen allele CA566794.

ClinVar aggregate classification (germline): Uncertain significance. Review status: criteria provided, multiple submitters, no conflicts (2 of 4 stars). 2 submissions from 2 submitters: Uncertain significance (2). Last evaluated 2024-08-01.

Allele frequency attached by ClinVar (database versions not stated): TOPMed 0.00001; ExAC 0.00003; gnomAD 0.00003; 1000 Genomes Project 0.00020; 1000 Genomes Project 30x 0.00031.
gnomAD v4.1: 25 of 1,613,844 alleles (0.0015%); highest among the groups gnomAD compares: Non-Finnish European, 0.0015%; no homozygotes.

Submissions (2):

CeGaT Center for Human Genetics Tuebingen
Classification: Uncertain significance. Last evaluated: 2024-08-01. Review status: criteria provided, single submitter. Criteria: CeGaT Center For Human Genetics Tuebingen Variant Classification Criteria Version 2. Collection method: clinical testing. Allele origin: germline. Affected: yes. Observed: 1 variant allele.

Labcorp Genetics (formerly Invitae), Labcorp
Classification: Uncertain significance. Last evaluated: 2022-08-01. Review status: criteria provided, single submitter. Criteria: Invitae Variant Classification Sherloc (09022015). Collection method: clinical testing. Allele origin: germline.
Comment: This sequence change replaces threonine, which is neutral and polar, with methionine, which is neutral and non-polar, at codon 994 of the CAMTA1 protein (p.Thr994Met). This variant is present in population databases (rs533579152, gnomAD 0.01%). This variant has not been reported in the literature in individuals affected with CAMTA1-related conditions. Algorithms developed to predict the effect of missense changes on protein structure and function are either unavailable or do not agree on the potential impact of this missense change (SIFT: "Deleterious"; PolyPhen-2: "Probably Damaging"; Align-GVGD: "Class C0"). In summary, the available evidence is currently insufficient to determine the role of this variant in disease. Therefore, it has been classified as a Variant of Uncertain Significance.